The following is an entry in ClinVar:

ClinVar aggregate classification (germline): Uncertain significance (1 of 4 stars; one submission).

Conditions:
Mucopolysaccharidosis, MPS-III-A (MPS3A). Also called: Mucopolysaccharidosis type IIIA (Sanfilippo A); HEPARAN SULFATE SULFATASE DEFICIENCY; SANFILIPPO SYNDROME A; SULFAMIDASE DEFICIENCY; MPS III A; MUCOPOLYSACCHARIDOSIS, TYPE IIIA, ATTENUATED. Identifiers: Orphanet 581, Orphanet 79269, MedGen C0086647, MONDO:0009655, OMIM 252900.

Submission:

Labcorp Genetics (formerly Invitae), Labcorp
Classification: Uncertain significance for Mucopolysaccharidosis, MPS-III-A. Last evaluated: 2022-08-22. Review status: criteria provided, single submitter. Criteria: Invitae Variant Classification Sherloc (09022015). Collection method: clinical testing. Allele origin: germline.
Comment: In summary, the available evidence is currently insufficient to determine the role of this variant in disease. Therefore, it has been classified as a Variant of Uncertain Significance. Advanced modeling of protein sequence and biophysical properties (such as structural, functional, and spatial information, amino acid conservation, physicochemical variation, residue mobility, and thermodynamic stability) performed at Invitae indicates that this missense variant is expected to disrupt SGSH protein function. This variant has not been reported in the literature in individuals affected with SGSH-related conditions. This variant is not present in population databases (gnomAD no frequency). This sequence change replaces glycine, which is neutral and non-polar, with glutamic acid, which is acidic and polar, at codon 127 of the SGSH protein (p.Gly127Glu).

NM_000199.5(SGSH):c.380G>A (p.Gly127Glu)

Gene: SGSH (N-sulfoglucosamine sulfohydrolase; minus strand). Cytogenetic location: 17q25.3.
Variant type: single nucleotide variant.
Coding change: c.380G>A on transcript NM_000199.5 (MANE Select); coding-DNA position 380, G replaced by A.
Protein change: p.Gly127Glu; replaces glycine 127 with glutamic acid.
Molecular consequence: missense variant. On other transcripts: non-coding transcript variant (1).
Genome position (GRCh38, 1-based): chr17:80,214,741, C>T on the plus strand (G>A on the coding strand, the complement: SGSH is on the minus strand). VCF-style: chr17-80214741-C-T. GRCh37 (hg19) VCF-style: chr17-78188540-C-T.
Other names: c.380G>A, p.Gly127Glu (NM_001352921.3, NM_001352922.2); short protein forms G127E.
Identifiers: ClinVar variation 1717732 (VCV001717732.5), dbSNP rs2510894287, ClinGen allele CA401363200.
Genomic context (GRCh38, chr17:80,214,741, plus strand): 5'-TGGAGGACGGAGCCATTCTCCTCCGTGTACGCAAAGTCAAACGGGTACACGGTCTCCGGC[C>T]CCACGTGCTTCTTCCCGATGATGCCTGGGCGGGAAGAGAGGCCTGGCCAGAGTCCCTTCA-3'
Protein context (NP_000190.1, residues 117-137): RTGIIGKKHV[Gly127Glu]PETVYPFDFA